The following is an entry in ClinVar:

NM_004629.2(FANCG):c.1144-3C>T

Gene: FANCG (FA complementation group G; minus strand). Cytogenetic location: 9p13.3.
Variant type: single nucleotide variant.
Coding change: c.1144-3C>T on transcript NM_004629.2 (MANE Select); 3 bases into the intron before coding-DNA position 1144, C replaced by T.
Molecular consequence: intron variant.
Genome position (GRCh38, 1-based): chr9:35,075,757, G>A on the plus strand (C>T on the coding strand, the complement: FANCG is on the minus strand). VCF-style: chr9-35075757-G-A. GRCh37 (hg19) VCF-style: chr9-35075754-G-A.
Other names: c.1144-3C>T (NM_004629.1).
Identifiers: ClinVar variation 2061516 (VCV002061516.5), dbSNP rs781723481, ClinGen allele CA1845838218.

ClinVar aggregate classification (germline): Conflicting classifications of pathogenicity. Review status: criteria provided, conflicting classifications (1 of 4 stars). 3 submissions from 3 submitters: Uncertain significance (2); Likely benign (1). Last evaluated 2024-09-30.

Conditions:
Fanconi anemia (FA). Also called: Fanconi's anemia. Identifiers: Orphanet 84, MedGen C0015625, MeSH D005199, MONDO:0019391.
Fanconi anemia complementation group G. Also called: FANCG-Related Fanconi Anemia; Fanconi anemia group G. Identifiers: Orphanet 84, MedGen C3469527, MONDO:0013565, OMIM 614082.

Submissions (3):

Blueprint Genetics
Classification: Likely benign. Last evaluated: 2024-09-30. Review status: criteria provided, single submitter. Criteria: ACMG Guidelines, 2015. Collection method: clinical testing. Allele origin: germline.

Labcorp Genetics (formerly Invitae), Labcorp
Classification: Uncertain significance for Fanconi anemia. Last evaluated: 2021-08-31. Review status: criteria provided, single submitter. Criteria: Invitae Variant Classification Sherloc (09022015). Collection method: clinical testing. Allele origin: germline.
Comment: This sequence change falls in intron 9 of the FANCG gene. It does not directly change the encoded amino acid sequence of the FANCG protein. It affects a nucleotide within the consensus splice site of the intron. This variant is not present in population databases (ExAC no frequency). This variant has not been reported in the literature in individuals affected with FANCG-related conditions. Variants that disrupt the consensus splice site are a relatively common cause of aberrant splicing (PMID: 17576681, 9536098). Algorithms developed to predict the effect of sequence changes on RNA splicing suggest that this variant is not likely to affect RNA splicing. In summary, the available evidence is currently insufficient to determine the role of this variant in disease. Therefore, it has been classified as a Variant of Uncertain Significance.

Revvity Omics, Revvity
Classification: Uncertain significance for Fanconi anemia complementation group G. Last evaluated: 2021-06-21. Review status: criteria provided, single submitter. Criteria: ACMG Guidelines, 2015. Collection method: clinical testing. Allele origin: germline.

Literature cited by the submitters: PubMed 17576681 (cited by Labcorp Genetics (formerly Invitae), Labcorp); PubMed 9536098 (cited by Labcorp Genetics (formerly Invitae), Labcorp).